The following is an entry in ClinVar:

ClinVar aggregate classification (germline): Uncertain significance. Review status: criteria provided, multiple submitters, no conflicts (2 of 4 stars). 2 submissions from 2 submitters: Uncertain significance (2). Last evaluated 2023-07-07.

Conditions:
Dyskeratosis congenita, autosomal dominant 2. Identifiers: MedGen C3151443, MONDO:0013521, OMIM 613989.
Idiopathic Pulmonary Fibrosis. Also called: Idiopathic fibrosing alveolitis, chronic form; idiopathic fibrosing alveolitis. Identifiers: Orphanet 2032, MedGen C1800706, MeSH D054990, MONDO:0800504.
Dyskeratosis congenita. Identifiers: Orphanet 1775, MedGen C0265965, MONDO:0015780.

Submissions (2):

Labcorp Genetics (formerly Invitae), Labcorp
Classification: Uncertain significance for Dyskeratosis congenita, autosomal dominant 2; Idiopathic Pulmonary Fibrosis. Last evaluated: 2023-07-07. Review status: criteria provided, single submitter. Criteria: Invitae Variant Classification Sherloc (09022015). Collection method: clinical testing. Allele origin: germline.
Comment: In summary, the available evidence is currently insufficient to determine the role of this variant in disease. Therefore, it has been classified as a Variant of Uncertain Significance. Advanced modeling of protein sequence and biophysical properties (such as structural, functional, and spatial information, amino acid conservation, physicochemical variation, residue mobility, and thermodynamic stability) has been performed at Invitae for this missense variant, however the output from this modeling did not meet the statistical confidence thresholds required to predict the impact of this variant on TERT protein function. ClinVar contains an entry for this variant (Variation ID: 471892). This variant has not been reported in the literature in individuals affected with TERT-related conditions. This variant is not present in population databases (gnomAD no frequency). This sequence change replaces threonine, which is neutral and polar, with serine, which is neutral and polar, at codon 1129 of the TERT protein (p.Thr1129Ser).

Ambry Genetics
Classification: Uncertain significance for Dyskeratosis congenita. Last evaluated: 2022-06-24. Review status: criteria provided, single submitter. Criteria: Ambry Variant Classification Scheme 2023. Collection method: clinical testing. Allele origin: germline.
Comment: The p.T1129S variant (also known as c.3386C>G), located in coding exon 16 of the TERT gene, results from a C to G substitution at nucleotide position 3386. The threonine at codon 1129 is replaced by serine, an amino acid with similar properties. This amino acid position is conserved. In addition, this alteration is predicted to be tolerated by in silico analysis. Since supporting evidence is limited at this time, the clinical significance of this alteration remains unclear.

NM_198253.3(TERT):c.3386C>G (p.Thr1129Ser)

Gene: TERT (telomerase reverse transcriptase; minus strand). Cytogenetic location: 5p15.33.
Variant type: single nucleotide variant.
Coding change: c.3386C>G on transcript NM_198253.3 (MANE Select); coding-DNA position 3386, C replaced by G.
Protein change: p.Thr1129Ser; replaces threonine 1129 with serine.
Molecular consequence: missense variant. On other transcripts: non-coding transcript variant (2).
Genome position (GRCh38, 1-based): chr5:1,253,741, G>C on the plus strand (C>G on the coding strand, the complement: TERT is on the minus strand). VCF-style: chr5-1253741-G-C. GRCh37 (hg19) VCF-style: chr5-1253856-G-C.
Other names: c.3197C>G, p.Thr1066Ser (NM_001193376.3); short protein forms T1129S, T1066S.
Identifiers: ClinVar variation 471892 (VCV000471892.13), dbSNP rs775095158, ClinGen allele CA359066468.